The following is an entry in ClinVar:

ClinVar aggregate classification (germline): Uncertain significance (1 of 4 stars; one submission).

Submission:

Labcorp Genetics (formerly Invitae), Labcorp
Classification: Uncertain significance. Last evaluated: 2023-09-19. Review status: criteria provided, single submitter. Criteria: Invitae Variant Classification Sherloc (09022015). Collection method: clinical testing. Allele origin: unknown.
Comment: This variant results in a copy number gain of the genomic region encompassing exon(s) 35-84 of the HUWE1 gene. This region includes the termination codon of the gene. This copy number gain extends beyond the assayed region for this gene and therefore may encompass additional genes. As the precise location of this event is unknown, it may be in tandem or it may be located elsewhere in the genome. This variant has not been reported in the literature in individuals affected with HUWE1-related conditions. Experimental studies and prediction algorithms are not available or were not evaluated, and the functional significance of this variant is currently unknown. In summary, the available evidence is currently insufficient to determine the role of this variant in disease. Therefore, it has been classified as a Variant of Uncertain Significance.

NC_000023.10:g.(?_53560270)_(53617479_?)dup

Genes: HUWE1 (HECT, UBA and WWE domain containing E3 ubiquitin protein ligase 1; minus strand), MIR98 (microRNA 98; minus strand), MIRLET7F2 (microRNA let-7f-2; minus strand). Cytogenetic location: Xp11.22.
Variant type: Duplication.
Identifiers: ClinVar variation 3246840 (VCV003246840.1).